The following is an entry in ClinVar:

ClinVar aggregate classification (germline): Uncertain significance (1 of 4 stars; one submission).

Allele frequency attached by ClinVar (database versions not stated): gnomAD exomes below 0.00001 and 0.00001; TOPMed below 0.00001.
gnomAD v4.1: 3 of 1,608,044 alleles (0.00019%); highest among the groups gnomAD compares: Admixed American, 0.0051%; no homozygotes.

Submission:

Labcorp Genetics (formerly Invitae), Labcorp
Classification: Uncertain significance. Last evaluated: 2023-03-29. Review status: criteria provided, single submitter. Criteria: Invitae Variant Classification Sherloc (09022015). Collection method: clinical testing. Allele origin: germline.
Comment: In summary, the available evidence is currently insufficient to determine the role of this variant in disease. Therefore, it has been classified as a Variant of Uncertain Significance. Variants that disrupt the consensus splice site are a relatively common cause of aberrant splicing (PMID: 17576681, 9536098). Algorithms developed to predict the effect of sequence changes on RNA splicing suggest that this variant is not likely to affect RNA splicing. ClinVar contains an entry for this variant (Variation ID: 1354875). This variant has not been reported in the literature in individuals affected with CTR9-related conditions. This variant is present in population databases (no rsID available, gnomAD 0.009%). This sequence change falls in intron 6 of the CTR9 gene. It does not directly change the encoded amino acid sequence of the CTR9 protein. It affects a nucleotide within the consensus splice site.

Literature cited by the submitters: PubMed 17576681; PubMed 9536098.

NM_014633.5(CTR9):c.741+4T>C

Gene: CTR9 (CTR9 component of Paf1/RNA polymerase II complex; plus strand). Cytogenetic location: 11p15.4.
Variant type: single nucleotide variant.
Coding change: c.741+4T>C on transcript NM_014633.5 (MANE Select); 4 bases into the intron after coding-DNA position 741, T replaced by C.
Molecular consequence: intron variant.
Genome position (GRCh38, 1-based): chr11:10,760,325, T>C. VCF-style: chr11-10760325-T-C. GRCh37 (hg19) VCF-style: chr11-10781872-T-C.
Other names: c.741+4T>C (NM_001346279.2).
Identifiers: ClinVar variation 1354875 (VCV001354875.6), dbSNP rs1405152063, ClinGen allele CA597590366.